The following is an entry in ClinVar:

ClinVar aggregate classification (germline): Uncertain significance. Review status: criteria provided, multiple submitters, no conflicts (2 of 4 stars). 2 submissions from 2 submitters: Uncertain significance (2). Last evaluated 2024-12-01.

gnomAD v4.1: 29 of 1,614,010 alleles (0.0018%); highest among the groups gnomAD compares: East Asian, 0.0045%; no homozygotes.

Submissions (2):

CeGaT Center for Human Genetics Tuebingen
Classification: Uncertain significance. Last evaluated: 2024-12-01. Review status: criteria provided, single submitter. Criteria: CeGaT Center For Human Genetics Tuebingen Variant Classification Criteria Version 2. Collection method: clinical testing. Allele origin: germline. Affected: yes. Observed: 1 variant allele.
Comment: SIPA1L3: PM2, BP4

Ambry Genetics
Classification: Uncertain significance. Last evaluated: 2024-04-26. Review status: criteria provided, single submitter. Criteria: Ambry Variant Classification Scheme 2023. Collection method: clinical testing. Allele origin: germline.

NM_015073.3(SIPA1L3):c.4355G>A (p.Arg1452His)

Gene: SIPA1L3 (signal induced proliferation associated 1 like 3; plus strand). Cytogenetic location: 19q13.13.
Variant type: single nucleotide variant.
Coding change: c.4355G>A on transcript NM_015073.3 (MANE Select); coding-DNA position 4355, G replaced by A.
Protein change: p.Arg1452His; replaces arginine 1452 with histidine.
Molecular consequence: missense variant.
Genome position (GRCh38, 1-based): chr19:38,182,665, G>A. VCF-style: chr19-38182665-G-A. GRCh37 (hg19) VCF-style: chr19-38673305-G-A.
Other names: short protein forms R1452H.
Identifiers: ClinVar variation 3318607 (VCV003318607.14).